The following is an entry in ClinVar:

ClinVar aggregate classification (germline): Conflicting classifications of pathogenicity. Review status: criteria provided, conflicting classifications (1 of 4 stars). 7 submissions from 6 submitters: Uncertain significance (6); Likely benign (1). Last evaluated 2025-09-28.

Conditions:
Left ventricular noncompaction 10 (LVNC10). Identifiers: Orphanet 154, Orphanet 54260, MedGen C3715165, MONDO:0014163, OMIM 615396.
Cardiovascular phenotype. Identifiers: MedGen CN230736.
Hypertrophic cardiomyopathy. Also called: HYPERTROPHIC MYOCARDIOPATHY. Identifiers: Orphanet 217569, MedGen C0007194, MeSH D002312, MONDO:0005045, HP:0001639.
Cardiomyopathy (CMYO). Also called: Cardiomyopathies. Identifiers: Orphanet 167848, MedGen C0878544, MONDO:0004994, HP:0001638. Inheritance: Various modes of inheritance.
Hypertrophic cardiomyopathy 4. Also called: Familial hypertrophic cardiomyopathy 4. Identifiers: MedGen C1861862, MONDO:0007268, OMIM 115197.

Allele frequency attached by ClinVar (database versions not stated): ExAC below 0.00001; gnomAD exomes 0.00001 and 0.00004; 1000 Genomes Project 30x 0.00016; 1000 Genomes Project 0.00020.
gnomAD v4.1: 52 of 1,511,484 alleles (0.0034%); highest among the groups gnomAD compares: East Asian, 0.13%; 1 homozygote.

Submissions (7):

Labcorp Genetics (formerly Invitae), Labcorp
Classification: Uncertain significance for Hypertrophic cardiomyopathy. Last evaluated: 2025-09-28. Review status: criteria provided, single submitter. Criteria: Invitae Variant Classification Sherloc (09022015). Collection method: clinical testing. Allele origin: germline.
Comment: This sequence change replaces isoleucine, which is neutral and non-polar, with leucine, which is neutral and non-polar, at codon 95 of the MYBPC3 protein (p.Ile95Leu). This variant is present in population databases (rs549758428, gnomAD 0.02%). This variant has not been reported in the literature in individuals affected with MYBPC3-related conditions. ClinVar contains an entry for this variant (Variation ID: 877568). An algorithm developed to predict the effect of missense changes on protein structure and function (PolyPhen-2) suggests that this variant is likely to be tolerated. In summary, the available evidence is currently insufficient to determine the role of this variant in disease. Therefore, it has been classified as a Variant of Uncertain Significance.

Color Diagnostics, LLC DBA Color Health
Classification: Uncertain significance for Cardiomyopathy. Last evaluated: 2025-01-20. Review status: criteria provided, single submitter. Criteria: ACMG Guidelines, 2015. Collection method: clinical testing. Allele origin: germline.
Comment: This missense variant replaces isoleucine with leucine at codon 95 of the MYBPC3 protein. Computational prediction suggests that this variant may not impact protein structure and function. To our knowledge, functional studies have not been reported for this variant. This variant has been reported in an infant affected with sudden death (PMID: 28747690). This variant has been identified in 2/169372 chromosomes in the general population by the Genome Aggregation Database (gnomAD). The available evidence is insufficient to determine the role of this variant in disease conclusively. Therefore, this variant is classified as a Variant of Uncertain Significance.

All of Us Research Program, National Institutes of Health
Classification: Uncertain significance for Hypertrophic cardiomyopathy. Last evaluated: 2024-09-13. Review status: criteria provided, single submitter. Criteria: ACMG Guidelines, 2015. Collection method: clinical testing. Allele origin: germline. Inheritance: Autosomal dominant inheritance. Observed: 4 variant alleles, 4 heterozygotes.
Comment: This missense variant replaces isoleucine with leucine at codon 95 of the MYBPC3 protein. Computational prediction suggests that this variant may not impact protein structure and function (internally defined REVEL score threshold <= 0.5, PMID: 27666373). To our knowledge, functional studies have not been reported for this variant. This variant has been reported in a case of sudden infant death (PMID: 28747690). This variant has been identified in 2/169372 chromosomes in the general population by the Genome Aggregation Database (gnomAD). The available evidence is insufficient to determine the role of this variant in disease conclusively. Therefore, this variant is classified as a Variant of Uncertain Significance.

This study involves interpretation of variants in research participants for the purpose of population health screening. Participant phenotype was not available at the time of variant classification. Additional details can be found in publication PMID: 35346344, PMCID: PMC8962531

Ambry Genetics
Classification: Likely benign for Cardiovascular phenotype. Last evaluated: 2024-04-06. Review status: criteria provided, single submitter. Criteria: Ambry Variant Classification Scheme 2023. Collection method: clinical testing. Allele origin: germline.

GeneDx
Classification: Uncertain significance. Last evaluated: 2022-04-15. Review status: criteria provided, single submitter. Criteria: GeneDx Variant Classification Process June 2021. Collection method: clinical testing. Allele origin: germline. Affected: yes.
Comment: Has not been previously published as pathogenic or benign to our knowledge; In silico analysis supports that this missense variant does not alter protein structure/function

Illumina Laboratory Services, Illumina
Classification: Uncertain significance for Left ventricular noncompaction 10. Last evaluated: 2018-01-13. Review status: criteria provided, single submitter. Criteria: ICSL Variant Classification Criteria 13 December 2019. Collection method: clinical testing. Allele origin: germline.

Illumina Laboratory Services, Illumina
Classification: Uncertain significance for Hypertrophic cardiomyopathy 4. Last evaluated: 2018-01-13. Review status: criteria provided, single submitter. Criteria: ICSL Variant Classification Criteria 13 December 2019. Collection method: clinical testing. Allele origin: germline.

Literature cited by the submitters: PubMed 28747690 (cited by 3 submitters); PubMed 24510615 (cited by Ambry Genetics).

NM_000256.3(MYBPC3):c.283A>C (p.Ile95Leu)

Gene: MYBPC3 (myosin binding protein C3; minus strand). Cytogenetic location: 11p11.2.
Variant type: single nucleotide variant.
Coding change: c.283A>C on transcript NM_000256.3 (MANE Select); coding-DNA position 283, A replaced by C.
Protein change: p.Ile95Leu; replaces isoleucine 95 with leucine.
Molecular consequence: missense variant.
Genome position (GRCh38, 1-based): chr11:47,351,248, T>G on the plus strand (A>C on the coding strand, the complement: MYBPC3 is on the minus strand). VCF-style: chr11-47351248-T-G. GRCh37 (hg19) VCF-style: chr11-47372799-T-G.
Other names: short protein forms I95L.
Identifiers: ClinVar variation 877568 (VCV000877568.16), dbSNP rs549758428, ClinGen allele CA051645.